The following is an entry in ClinVar:

ClinVar aggregate classification (germline): Uncertain significance (1 of 4 stars; one submission).

gnomAD v4.1: 7 of 1,614,164 alleles (0.00043%); highest among the groups gnomAD compares: South Asian, 0.0011%; no homozygotes.

Submission:

GeneDx
Classification: Uncertain significance. Last evaluated: 2024-12-27. Review status: criteria provided, single submitter. Criteria: GeneDx Variant Classification Process June 2021. Collection method: clinical testing. Allele origin: germline. Affected: yes.
Comment: Not observed at significant frequency in large population cohorts (gnomAD); In silico analysis indicates that this missense variant does not alter protein structure/function; Has not been previously published as pathogenic or benign to our knowledge

NM_006618.5(KDM5B):c.3550G>T (p.Ala1184Ser)

Gene: KDM5B (lysine demethylase 5B; minus strand). Cytogenetic location: 1q32.1.
Variant type: single nucleotide variant.
Coding change: c.3550G>T on transcript NM_006618.5 (MANE Select); coding-DNA position 3550, G replaced by T.
Protein change: p.Ala1184Ser; replaces alanine 1184 with serine.
Molecular consequence: missense variant.
Genome position (GRCh38, 1-based): chr1:202,733,760, C>A on the plus strand (G>T on the coding strand, the complement: KDM5B is on the minus strand). VCF-style: chr1-202733760-C-A. GRCh37 (hg19) VCF-style: chr1-202702888-C-A.
Other names: c.3658G>T, p.Ala1220Ser (NM_001314042.2); c.3415G>T, p.Ala1139Ser (NM_001347591.2); c.3535G>T, p.Ala1179Ser (NM_001399817.1); short protein forms A1139S, A1179S, A1184S, A1220S.
Identifiers: ClinVar variation 4055770 (VCV004055770.1).